The following is an entry in ClinVar:

NM_014967.5(FAN1):c.2875C>T (p.Pro959Ser)

Genes: FAN1 (FANCD2 and FANCI associated nuclease 1; plus strand), MTMR10 (myotubularin related protein 10; minus strand). Cytogenetic location: 15q13.3.
Variant type: single nucleotide variant.
Coding change: c.2875C>T on transcript NM_014967.5 (MANE Select); coding-DNA position 2875, C replaced by T.
Protein change: p.Pro959Ser; replaces proline 959 with serine.
Molecular consequence: missense variant.
Genome position (GRCh38, 1-based): chr15:30,930,630, C>T. VCF-style: chr15-30930630-C-T. GRCh37 (hg19) VCF-style: chr15-31222833-C-T.
Other names: short protein forms P959S.
Identifiers: ClinVar variation 2499738 (VCV002499738.2), dbSNP rs146600264, ClinGen allele CA7450805.

ClinVar aggregate classification (germline): Uncertain significance. Review status: criteria provided, multiple submitters, no conflicts (2 of 4 stars). 2 submissions from 2 submitters: Uncertain significance (2). Last evaluated 2024-06-18.

Conditions:
Karyomegalic interstitial nephritis. Identifiers: Orphanet 401996, MedGen C3553774, MONDO:0013898, OMIM 614817.

Allele frequency attached by ClinVar (database versions not stated): gnomAD exomes 0.00005; ExAC 0.00006; TOPMed 0.00022; gnomAD 0.00023; ESP Exome Variant Server 0.00031.
gnomAD v4.1: 110 of 1,612,810 alleles (0.0068%); highest among the groups gnomAD compares: African/African-American, 0.085%; 1 homozygote.

Submissions (2):

Fulgent Genetics
Classification: Uncertain significance for Karyomegalic interstitial nephritis. Last evaluated: 2024-06-18. Review status: criteria provided, single submitter. Criteria: ACMG Guidelines, 2015. Collection method: clinical testing. Allele origin: germline.

GeneDx
Classification: Uncertain significance. Last evaluated: 2022-10-20. Review status: criteria provided, single submitter. Criteria: GeneDx Variant Classification Process June 2021. Collection method: clinical testing. Allele origin: germline. Affected: yes.
Comment: In silico analysis supports that this missense variant has a deleterious effect on protein structure/function; Has not been previously published as pathogenic or benign to our knowledge